The following is an entry in ClinVar:

ClinVar aggregate classification (germline): Conflicting classifications of pathogenicity. Review status: criteria provided, conflicting classifications (1 of 4 stars). 5 submissions from 5 submitters: Uncertain significance (1); Benign (1); Likely benign (3). Last evaluated 2025-02-01.

Conditions:
Hereditary cancer-predisposing syndrome. Also called: Neoplastic Syndromes, Hereditary; Hereditary Cancer Syndrome; Tumor predisposition; Hereditary neoplastic syndrome. Identifiers: Orphanet 140162, MedGen C0027672, MeSH D009386, MONDO:0015356.
Ataxia-telangiectasia syndrome (AT). Also called: LOUIS-BAR SYNDROME; Cerebello-oculocutaneous telangiectasia; Immunodeficiency with ataxia telangiectasia; Ataxia-telangiectasia, complementation group D; AT, COMPLEMENTATION GROUP C; Ataxia-telangiectasia, complementation group E. Identifiers: Orphanet 100, MedGen C0004135, MONDO:0008840, OMIM 208900.
Familial cancer of breast. Also called: Hereditary breast cancer; BREAST CANCER, FAMILIAL; hereditary breast carcinoma. Identifiers: Orphanet 227535, MedGen C0346153, MONDO:0016419, OMIM 114480. Disease mechanism: loss of function.

Allele frequency attached by ClinVar (database versions not stated): gnomAD exomes 0.00001 and below 0.00001; ExAC 0.00002.
gnomAD v4.1: 5 of 1,570,208 alleles (0.00032%); highest among the groups gnomAD compares: South Asian, 0.0044%; no homozygotes.

Submissions (5):

Labcorp Genetics (formerly Invitae), Labcorp
Classification: Uncertain significance for Ataxia-telangiectasia syndrome. Last evaluated: 2025-02-01. Review status: criteria provided, single submitter. Criteria: Invitae Variant Classification Sherloc (09022015). Collection method: clinical testing. Allele origin: germline.
Comment: This sequence change affects codon 1998 of the ATM mRNA. It is a 'silent' change, meaning that it does not change the encoded amino acid sequence of the ATM protein. This variant is present in population databases (rs56046250, gnomAD 0.006%). This variant has not been reported in the literature in individuals affected with ATM-related conditions. ClinVar contains an entry for this variant (Variation ID: 489565). Algorithms developed to predict the effect of sequence changes on RNA splicing suggest that this variant may disrupt the consensus splice site. In summary, the available evidence is currently insufficient to determine the role of this variant in disease. Therefore, it has been classified as a Variant of Uncertain Significance.

Myriad Genetics, Inc.
Classification: Benign for Familial cancer of breast. Last evaluated: 2024-05-28. Review status: criteria provided, single submitter. Criteria: Myriad Autosomal Dominant, Autosomal Recessive and X-Linked Classification Criteria (2023). Collection method: clinical testing. Allele origin: unknown.
Comment: This variant is considered benign. This variant is a silent/synonymous amino acid change and it is not expected to impact splicing.

Color Diagnostics, LLC DBA Color Health
Classification: Likely benign for Hereditary cancer-predisposing syndrome. Last evaluated: 2023-12-05. Review status: criteria provided, single submitter. Criteria: ACMG Guidelines, 2015. Collection method: clinical testing. Allele origin: germline.

Ambry Genetics
Classification: Likely benign for Hereditary cancer-predisposing syndrome. Last evaluated: 2020-03-26. Review status: criteria provided, single submitter. Criteria: Ambry Variant Classification Scheme 2023. Collection method: clinical testing. Allele origin: germline.

GeneDx
Classification: Likely benign. Last evaluated: 2018-04-26. Review status: criteria provided, single submitter. Criteria: GeneDx Variant Classification (06012015). Collection method: clinical testing. Allele origin: germline. Affected: yes.
Comment: This variant is considered likely benign or benign based on one or more of the following criteria: it is a conservative change, it occurs at a poorly conserved position in the protein, it is predicted to be benign by multiple in silico algorithms, and/or has population frequency not consistent with disease.

NM_000051.4(ATM):c.5994A>T (p.Gly1998=)

Genes: ATM (ATM serine/threonine kinase; plus strand), C11orf65 (chromosome 11 open reading frame 65; minus strand). Cytogenetic location: 11q22.3.
Variant type: single nucleotide variant.
Coding change: c.5994A>T on transcript NM_000051.4 (MANE Select); coding-DNA position 5994, A replaced by T.
Protein change: p.Gly1998=; no amino-acid change (glycine 1998 retained).
Molecular consequence: synonymous variant. On other transcripts: intron variant (2).
Genome position (GRCh38, 1-based): chr11:108,312,486, A>T. VCF-style: chr11-108312486-A-T. GRCh37 (hg19) VCF-style: chr11-108183213-A-T.
Other names: c.5994A>T, p.Gly1998= (NM_001351834.2); c.641-3415T>A (NM_001330368.2); c.*39-3415T>A (NM_001351110.2).
Identifiers: ClinVar variation 489565 (VCV000489565.16), dbSNP rs56046250, ClinGen allele CA6265812.